The following is an entry in ClinVar:

NM_000202.8(IDS):c.1400C>G (p.Pro467Arg)

Gene: IDS (iduronate 2-sulfatase; minus strand). Cytogenetic location: Xq28.
Variant type: single nucleotide variant.
Coding change: c.1400C>G on transcript NM_000202.8 (MANE Select); coding-DNA position 1400, C replaced by G.
Protein change: p.Pro467Arg; replaces proline 467 with arginine.
Molecular consequence: missense variant.
Genome position (GRCh38, 1-based): chrX:149,482,999, G>C on the plus strand (C>G on the coding strand, the complement: IDS is on the minus strand). VCF-style: chrX-149482999-G-C. GRCh37 (hg19) VCF-style: chrX-148564530-G-C.
Other names: c.1130C>G, p.Pro377Arg (NM_001166550.4); short protein forms P377R, P467R.
Identifiers: ClinVar variation 1698642 (VCV001698642.3), dbSNP rs1602725808, ClinGen allele CA414518172.

ClinVar aggregate classification (germline): Pathogenic/Likely pathogenic. Review status: criteria provided, multiple submitters, no conflicts (2 of 4 stars). 2 submissions from 2 submitters: Pathogenic (1); Likely pathogenic (1). Last evaluated 2024-06-07.

Conditions:
Mucopolysaccharidosis, MPS-II (MPS2). Also called: Attenuated MPS (subtype; formerly known as mild MPS II); Severe MPS II; I2S deficiency; MPS 2; Hunter Syndrome; Mucopolysaccharidosis with skin involvement. Identifiers: Orphanet 580, Orphanet 79388, MedGen C0026705, MONDO:0010674, OMIM 309900.

Submissions (2):

Laboratory of Diagnosis and Therapy of Lysosomal Disorders, University of Padova
Classification: Pathogenic for Mucopolysaccharidosis, MPS-II. Last evaluated: 2024-06-07. Review status: criteria provided, single submitter. Criteria: ACMG Guidelines, 2015. Collection method: literature only. Allele origin: germline. Affected: yes. Observed: 1 variant allele.
Comment: Absent from controls (or at low frequency) in gnomAD database (PM2_Moderate), Missense change at the same amino acid residue as a pathogenic variant (PM5_Moderate), Missense variant in a gene with a low rate of benign missense variation (PP2_Supporting), Multiple lines of computational evidence support a deleterious effect (PP3_Supporting), Patient’s phenotype or family history highly specific for the disease (PP4_Strong)

Classification method: ACMG Guidelines [PMID:25741868] with modifications

Women's Health and Genetics/Laboratory Corporation of America, LabCorp
Classification: Likely pathogenic for Mucopolysaccharidosis, MPS-II. Last evaluated: 2022-06-27. Review status: criteria provided, single submitter. Criteria: LabCorp Variant Classification Summary - May 2015. Collection method: clinical testing. Allele origin: germline.
Comment: Variant summary: IDS c.1400C>G (p.Pro467Arg) results in a non-conservative amino acid change in the encoded protein sequence. Five of five in-silico tools predict a damaging effect of the variant on protein function. The variant was absent in 183290 control chromosomes (gnomAD). The available data on variant occurrences in the general population are insufficient to allow any conclusion about variant significance. The variant, c.1400C>G, has been reported in the literature in at-least one individual affected with Mucopolysaccharidosis (Pollard_2012), in whom the enzyme deficiency has been confirmed by the authors. In addition, another missense change affecting the same residue (c.1400C>T (p.P467L)) is also reported in affected individual(s) (HGMD), and is reported to result in an almost completely absent enzyme activity in in vitro functional studies (PMID 31877959). Furthermore, several missense variants affecting surrounding amino acids (e.g. S464R, Q465P, R468Q/G/L/P/W, P469A/R/H/L, D471H) are reported in affected individuals (HGMD), indicating a functional importance for this protein region. No clinical diagnostic laboratories have submitted clinical-significance assessments for this variant to ClinVar after 2014. Based on the evidence outlined above, the variant was classified as likely pathogenic.

Literature cited by the submitters: PubMed 22976768 (cited by Laboratory of Diagnosis and Therapy of Lysosomal Disorders, University of Padova and Women's Health and Genetics/Laboratory Corporation of America, LabCorp); PubMed 28593992 (cited by Women's Health and Genetics/Laboratory Corporation of America, LabCorp).